The following is an entry in ClinVar:

ClinVar aggregate classification (germline): Pathogenic. Review status: criteria provided, multiple submitters, no conflicts (2 of 4 stars). 2 submissions from 2 submitters: Pathogenic (2). Last evaluated 2025-11-03.

Conditions:
Long QT syndrome (LQTS). Identifiers: MedGen C0023976, MeSH D008133, MONDO:0002442. Disease mechanism: loss of function. Inheritance: Various modes of inheritance.
Cardiovascular phenotype. Identifiers: MedGen CN230736.

Submissions (2):

Labcorp Genetics (formerly Invitae), Labcorp
Classification: Pathogenic for Long QT syndrome. Last evaluated: 2025-11-03. Review status: criteria provided, single submitter. Criteria: Invitae Variant Classification Sherloc (09022015). Collection method: clinical testing. Allele origin: germline.
Comment: This sequence change creates a premature translational stop signal (p.Val279Argfs*76) in the KCNH2 gene. It is expected to result in an absent or disrupted protein product. Loss-of-function variants in KCNH2 are known to be pathogenic (PMID: 10973849, 19862833). This variant is not present in population databases (gnomAD no frequency). This variant has not been reported in the literature in individuals affected with KCNH2-related conditions. For these reasons, this variant has been classified as Pathogenic.

Ambry Genetics
Classification: Pathogenic for Cardiovascular phenotype. Last evaluated: 2025-10-22. Review status: criteria provided, single submitter. Criteria: Ambry Variant Classification Scheme 2023. Collection method: clinical testing. Allele origin: germline.
Comment: The c.834_849del16 pathogenic mutation, located in coding exon 4 of the KCNH2 gene, results from a deletion of 16 nucleotides at nucleotide positions 834 to 849, causing a translational frameshift with a predicted alternate stop codon (p.V279Rfs*76). This variant is considered to be rare based on population cohorts in the Genome Aggregation Database (gnomAD). This alteration is expected to result in loss of function by premature protein truncation or nonsense-mediated mRNA decay. As such, this alteration is interpreted as a disease-causing mutation.

Literature cited by the submitters: PubMed 10973849 (cited by Labcorp Genetics (formerly Invitae), Labcorp); PubMed 19862833 (cited by Labcorp Genetics (formerly Invitae), Labcorp).

NM_000238.4(KCNH2):c.834_849del (p.Val279fs)

Gene: KCNH2 (potassium voltage-gated channel subfamily H member 2; minus strand). Cytogenetic location: 7q36.1.
Variant type: Deletion.
Coding change: c.834_849del on transcript NM_000238.4 (MANE Select); coding-DNA positions 834 to 849, 16 bases deleted (CGTGCGCCGCGCCTCG).
Protein change: p.Val279fs; shifts the reading frame from valine 279.
Molecular consequence: frameshift variant. On other transcripts: non-coding transcript variant (1).
Genome position (GRCh38, 1-based): chr7:150,958,126-150,958,141, CGAGGCGCGGCGCACG deleted on the plus strand (CGTGCGCCGCGCCTCG on the coding strand, the reverse complement: KCNH2 is on the minus strand); deleting any 16 consecutive bases within chr7:150,958,126-150,958,142 gives the same sequence; the c. name uses the placement nearest the transcript's 3' end. VCF-style (leftmost placement, unchanged base first): chr7-150958125-ACGAGGCGCGGCGCACG-A. GRCh37 (hg19) VCF-style: chr7-150655213-ACGAGGCGCGGCGCACG-A.
Other names: c.834_849del16 (NM_000238.3); c.546_561del, p.Val183fs (NM_001406753.1, NM_001406756.1); c.657_672del, p.Val220fs (NM_001406755.1); c.534_549del, p.Val179fs (NM_001406757.1); c.834_849del, p.Val279fs (NM_172056.3); short protein forms V179fs, V183fs, V220fs, V279fs.
Identifiers: ClinVar variation 4614351 (VCV004614351.2).